The following is an entry in ClinVar:

ClinVar aggregate classification (germline): Uncertain significance (1 of 4 stars; one submission).

gnomAD v4.1: 4 of 1,602,406 alleles (0.00025%); highest among the groups gnomAD compares: Non-Finnish European, 0.00034%; no homozygotes.

Submission:

Labcorp Genetics (formerly Invitae), Labcorp
Classification: Uncertain significance. Last evaluated: 2022-11-01. Review status: criteria provided, single submitter. Criteria: Invitae Variant Classification Sherloc (09022015). Collection method: clinical testing. Allele origin: germline.
Comment: This sequence change replaces arginine, which is basic and polar, with glutamine, which is neutral and polar, at codon 49 of the CABP4 protein (p.Arg49Gln). This variant is not present in population databases (gnomAD no frequency). This variant has not been reported in the literature in individuals affected with CABP4-related conditions. ClinVar contains an entry for this variant (Variation ID: 1493272). Advanced modeling of protein sequence and biophysical properties (such as structural, functional, and spatial information, amino acid conservation, physicochemical variation, residue mobility, and thermodynamic stability) performed at Invitae indicates that this missense variant is not expected to disrupt CABP4 protein function. In summary, the available evidence is currently insufficient to determine the role of this variant in disease. Therefore, it has been classified as a Variant of Uncertain Significance.

NM_145200.5(CABP4):c.146G>A (p.Arg49Gln)

Gene: CABP4 (calcium binding protein 4; plus strand). Cytogenetic location: 11q13.2.
Variant type: single nucleotide variant.
Coding change: c.146G>A on transcript NM_145200.5 (MANE Select); coding-DNA position 146, G replaced by A.
Protein change: p.Arg49Gln; replaces arginine 49 with glutamine.
Molecular consequence: missense variant. On other transcripts: 5 prime UTR variant (2), non-coding transcript variant (1), intron variant (1).
Genome position (GRCh38, 1-based): chr11:67,455,569, G>A. VCF-style: chr11-67455569-G-A. GRCh37 (hg19) VCF-style: chr11-67223040-G-A.
Other names: c.-238G>A (NM_001300895.3); c.-252G>A (NM_001379183.1); c.-112-140G>A (NM_001300896.3); short protein forms R49Q.
Identifiers: ClinVar variation 1493272 (VCV001493272.3), dbSNP rs1230945153, ClinGen allele CA381527029.